The following is an entry in ClinVar:

ClinVar aggregate classification (germline): Uncertain significance (1 of 4 stars; one submission).

Conditions:
Inborn genetic diseases. Identifiers: MedGen C0950123, MeSH D030342.

Submission:

Ambry Genetics
Classification: Uncertain significance for Inborn genetic diseases. Last evaluated: 2026-07-04. Review status: criteria provided, single submitter. Criteria: Ambry Variant Classification Scheme 2023. Collection method: clinical testing. Allele origin: germline.
Comment: The p.P120L variant (also known as c.359C>T), located in coding exon 1 of the SAMD9 gene, results from a C to T substitution at nucleotide position 359. The proline at codon 120 is replaced by leucine, an amino acid with similar properties. This amino acid position is conserved. In addition, this alteration is predicted to be tolerated by in silico analysis. Based on the available evidence, the clinical significance of this variant remains unclear.

NM_017654.4(SAMD9):c.359C>T (p.Pro120Leu)

Gene: SAMD9 (sterile alpha motif domain containing 9; minus strand). Cytogenetic location: 7q21.2.
Variant type: single nucleotide variant.
Coding change: c.359C>T on transcript NM_017654.4 (MANE Select); coding-DNA position 359, C replaced by T.
Protein change: p.Pro120Leu; replaces proline 120 with leucine.
Molecular consequence: missense variant.
Genome position (GRCh38, 1-based): chr7:93,105,739, G>A on the plus strand (C>T on the coding strand, the complement: SAMD9 is on the minus strand). VCF-style: chr7-93105739-G-A. GRCh37 (hg19) VCF-style: chr7-92735052-G-A.
Other names: c.359C>T, p.Pro120Leu (NM_001193307.2); short protein forms P120L.
Identifiers: ClinVar variation 5028749 (VCV005028749.1).